The following is an entry in ClinVar:

ClinVar aggregate classification (germline): Uncertain significance (1 of 4 stars; one submission).

gnomAD v4.1: 1 of 1,614,018 alleles (0.000062%); highest among the groups gnomAD compares: East Asian, 0.0022%; no homozygotes.

Submission:

Women's Health and Genetics/Laboratory Corporation of America, LabCorp
Classification: Uncertain significance. Last evaluated: 2025-11-07. Review status: criteria provided, single submitter. Criteria: LabCorp Variant Classification Summary - May 2015. Collection method: clinical testing. Allele origin: germline.
Comment: Variant summary: NTRK2 c.506C>T (p.Pro169Leu) results in a non-conservative amino acid change in the encoded protein sequence. Algorithms developed to predict the effect of missense changes on protein structure and function are either unavailable or do not agree on the potential impact of this missense change. The variant was absent in 251456 control chromosomes. The available data on variant occurrences in the general population are insufficient to allow any conclusion about variant significance. To our knowledge, no occurrence of c.506C>T in individuals affected with NTRK2-related conditions and no experimental evidence demonstrating its impact on protein function have been reported. No submitters have cited clinical-significance assessments for this variant to ClinVar. Based on the evidence outlined above, the variant was classified as uncertain significance.

NM_006180.6(NTRK2):c.506C>T (p.Pro169Leu)

Gene: NTRK2 (neurotrophic receptor tyrosine kinase 2; plus strand). Cytogenetic location: 9q21.33.
Variant type: single nucleotide variant.
Coding change: c.506C>T on transcript NM_006180.6 (MANE Select); coding-DNA position 506, C replaced by T.
Protein change: p.Pro169Leu; replaces proline 169 with leucine.
Molecular consequence: missense variant.
Genome position (GRCh38, 1-based): chr9:84,710,714, C>T. VCF-style: chr9-84710714-C-T. GRCh37 (hg19) VCF-style: chr9-87325629-C-T.
Other names: c.506C>T, p.Pro169Leu (NM_001007097.3, NM_001018064.3, NM_001018065.2 and 18 more transcripts); c.38C>T, p.Pro13Leu (NM_001369535.1, NM_001369536.1, NM_001369550.1 and 2 more transcripts); short protein forms P13L, P169L.
Identifiers: ClinVar variation 4536988 (VCV004536988.1).
Genomic context (GRCh38, chr9:84,710,714, plus strand): 5'-CATTTACATGCTCCTGTGACATTATGTGGATCAAGACTCTCCAAGAGGCTAAATCCAGTC[C>T]AGACACTCAGGATTTGTACTGCCTGAATGAAAGCAGCAAGAATATTCCCCTGGCAAACCT-3'
Protein context (NP_006171.2, residues 159-179): IKTLQEAKSS[Pro169Leu]DTQDLYCLNE